The following is an entry in ClinVar:

NM_006015.6(ARID1A):c.1846C>T (p.Pro616Ser)

Gene: ARID1A (AT-rich interaction domain 1A; plus strand). Cytogenetic location: 1p36.11.
Variant type: single nucleotide variant.
Coding change: c.1846C>T on transcript NM_006015.6 (MANE Select); coding-DNA position 1846, C replaced by T.
Protein change: p.Pro616Ser; replaces proline 616 with serine.
Molecular consequence: missense variant.
Genome position (GRCh38, 1-based): chr1:26,732,718, C>T. VCF-style: chr1-26732718-C-T. GRCh37 (hg19) VCF-style: chr1-27059209-C-T.
Other names: c.1846C>T, p.Pro616Ser (NM_139135.4); short protein forms P616S.
Identifiers: ClinVar variation 3361946 (VCV003361946.1).

ClinVar aggregate classification (germline): Uncertain significance (1 of 4 stars; one submission).

Submission:

GeneDx
Classification: Uncertain significance. Last evaluated: 2023-05-23. Review status: criteria provided, single submitter. Criteria: GeneDx Variant Classification Process June 2021. Collection method: clinical testing. Allele origin: germline. Affected: yes.
Comment: In silico analysis supports that this missense variant has a deleterious effect on protein structure/function; Missense variant in a gene in which most reported pathogenic variants are truncating/loss of function; Has not been previously published as pathogenic or benign to our knowledge